The following is an entry in ClinVar:

NM_017637.6(BNC2):c.84A>T (p.Ala28=)

Gene: BNC2 (basonuclin zinc finger protein 2; minus strand). Cytogenetic location: 9p22.2.
Variant type: single nucleotide variant.
Coding change: c.84A>T on transcript NM_017637.6 (MANE Select); coding-DNA position 84, A replaced by T.
Protein change: p.Ala28=; no amino-acid change (alanine 28 retained).
Molecular consequence: synonymous variant. On other transcripts: intron variant (1).
Genome position (GRCh38, 1-based): chr9:16,738,405, T>A on the plus strand (A>T on the coding strand, the complement: BNC2 is on the minus strand). VCF-style: chr9-16738405-T-A. GRCh37 (hg19) VCF-style: chr9-16738403-T-A.
Other names: c.45+93839A>T (NM_001317940.2).
Identifiers: ClinVar variation 120243 (VCV000120243.10), dbSNP rs76485966, ClinGen allele CA204344.

ClinVar aggregate classification (germline): Benign. Review status: criteria provided, multiple submitters, no conflicts (2 of 4 stars). 3 submissions from 3 submitters: Benign (2). 1 of the submissions does not count toward it. Last evaluated 2026-02-01.

Conditions:
Hypotension. Also called: Hypotensive disorder; low blood pressure. Identifiers: MedGen C0020649, MONDO:0005468, HP:0002615, MeSH D007022.

Allele frequency attached by ClinVar (database versions not stated): ESP Exome Variant Server 0.02968; gnomAD 0.02984 and 0.02974; TOPMed 0.03358; 1000 Genomes Project 0.04932; ExAC 0.02151; 1000 Genomes Project 30x 0.05044.
gnomAD v4.1: 17,873 of 1,614,074 alleles (1.1%); highest among the groups gnomAD compares: African/African-American, 8.4%; 549 homozygotes.

Submissions (3):

Labcorp Genetics (formerly Invitae), Labcorp
Classification: Benign. Last evaluated: 2026-02-01. Review status: criteria provided, single submitter. Criteria: Invitae Variant Classification Sherloc (09022015). Collection method: clinical testing. Allele origin: germline.

Breakthrough Genomics
Classification: Benign. Review status: criteria provided, single submitter. Criteria: ACMG Guidelines, 2015. Collection method: not provided. Allele origin: germline. Inheritance: Autosomal dominant inheritance. Affected: yes.

Centre for molecular medicine, Karolinska Institutet
No classification provided. Condition: Hypotension. Review status: no classification provided. Collection method: not provided. Allele origin: not provided. Not counted in ClinVar's aggregate classification.
Comment: hold until published